The following is an entry in ClinVar:

NM_145698.5(ACBD5):c.1177G>A (p.Glu393Lys)

Gene: ACBD5 (acyl-CoA binding domain containing 5; minus strand). Cytogenetic location: 10p12.1.
Variant type: single nucleotide variant.
Coding change: c.1177G>A on transcript NM_145698.5 (MANE Select); coding-DNA position 1177, G replaced by A.
Protein change: p.Glu393Lys; replaces glutamic acid 393 with lysine.
Molecular consequence: missense variant.
Genome position (GRCh38, 1-based): chr10:27,210,841, C>T on the plus strand (G>A on the coding strand, the complement: ACBD5 is on the minus strand). VCF-style: chr10-27210841-C-T. GRCh37 (hg19) VCF-style: chr10-27499770-C-T.
Other names: c.1072G>A, p.Glu358Lys (NM_001042473.4, NM_001352577.2, NM_001352578.2 and 1 more transcripts); c.1171G>A, p.Glu391Lys (NM_001271512.3); c.850G>A, p.Glu284Lys (NM_001301251.2, NM_001301252.2, NM_001301253.2 and 2 more transcripts); c.646G>A, p.Glu216Lys (NM_001301254.2); c.1231G>A, p.Glu411Lys (NM_001352568.1); c.1210G>A, p.Glu404Lys (NM_001352569.1); c.1177G>A, p.Glu393Lys (NM_001352570.1); c.1204G>A, p.Glu402Lys (NM_001352571.1); and 10 more; short protein forms E325K, E334K, E358K, E402K, E216K, E284K, E295K, E336K.
Identifiers: ClinVar variation 838061 (VCV000838061.9), dbSNP rs777230785, ClinGen allele CA5450734.
Genomic context (GRCh38, chr10:27,210,841, plus strand): 5'-TAAAGGTGAGGGAAGAAAAAAGGTAATCCACACCTCTTCCTCTTCTAACATTAGAGAATT[C>T]GTCAGTTTCTCCGCCTCGCTTCTCCCGGTGTGGTGCTCCGCTGTTATTCCTGCCATCTTC-3'
Protein context (NP_663736.2, residues 383-403): HREKRGGETD[Glu393Lys]FSNVRRGRGH

ClinVar aggregate classification (germline): Uncertain significance (1 of 4 stars; one submission).

Allele frequency attached by ClinVar (database versions not stated): TOPMed below 0.00001; ExAC 0.00001; gnomAD exomes 0.00001.
gnomAD v4.1: 38 of 1,614,156 alleles (0.0024%); highest among the groups gnomAD compares: Middle Eastern, 0.016%; no homozygotes.

Submission:

Labcorp Genetics (formerly Invitae), Labcorp
Classification: Uncertain significance. Last evaluated: 2023-10-13. Review status: criteria provided, single submitter. Criteria: Invitae Variant Classification Sherloc (09022015). Collection method: clinical testing. Allele origin: germline.
Comment: This sequence change replaces glutamic acid, which is acidic and polar, with lysine, which is basic and polar, at codon 393 of the ACBD5 protein (p.Glu393Lys). This variant is present in population databases (rs777230785, gnomAD 0.003%). This variant has not been reported in the literature in individuals affected with ACBD5-related conditions. ClinVar contains an entry for this variant (Variation ID: 838061). Advanced modeling of protein sequence and biophysical properties (such as structural, functional, and spatial information, amino acid conservation, physicochemical variation, residue mobility, and thermodynamic stability) performed at Invitae indicates that this missense variant is not expected to disrupt ACBD5 protein function. In summary, the available evidence is currently insufficient to determine the role of this variant in disease. Therefore, it has been classified as a Variant of Uncertain Significance.